The following is an entry in ClinVar:

ClinVar aggregate classification (germline): Conflicting classifications of pathogenicity. Review status: criteria provided, conflicting classifications (1 of 4 stars). 3 submissions from 3 submitters: Uncertain significance (1); Likely benign (2). Last evaluated 2025-12-22.

Conditions:
Inborn genetic diseases. Identifiers: MedGen C0950123, MeSH D030342.

gnomAD v4.1: 51 of 1,614,032 alleles (0.0032%); highest among the groups gnomAD compares: South Asian, 0.0088%; no homozygotes.

Submissions (3):

Labcorp Genetics (formerly Invitae), Labcorp
Classification: Likely benign. Last evaluated: 2025-12-22. Review status: criteria provided, single submitter. Criteria: Invitae Variant Classification Sherloc (09022015). Collection method: clinical testing. Allele origin: germline.

Women's Health and Genetics/Laboratory Corporation of America, LabCorp
Classification: Likely benign. Last evaluated: 2025-12-09. Review status: criteria provided, single submitter. Criteria: LabCorp Variant Classification Summary - May 2015. Collection method: clinical testing. Allele origin: germline.
Comment: Variant summary: FLNB c.3190G>A (p.Asp1064Asn) results in a conservative amino acid change in the encoded protein sequence. Algorithms developed to predict the effect of missense changes on protein structure and function are either unavailable or do not agree on the potential impact of this missense change. The variant allele was found at a frequency of 3.2e-05 in 1614032 control chromosomes, predominantly at a frequency of 8.8e-05 within the South Asian subpopulation in the gnomAD database v4. The available data on variant occurrences in the general population are insufficient to allow any conclusion about variant significance. To our knowledge, no occurrence of c.3190G>A in individuals affected with FLNB-related conditions and no experimental evidence demonstrating its impact on protein function have been reported. ClinVar contains an entry for this variant (Variation ID: 3718406). Based on the evidence outlined above, the variant was classified as likely benign.

Ambry Genetics
Classification: Uncertain significance for Inborn genetic diseases. Last evaluated: 2025-07-02. Review status: criteria provided, single submitter. Criteria: Ambry Variant Classification Scheme 2023. Collection method: clinical testing. Allele origin: germline.

NM_001457.4(FLNB):c.3190G>A (p.Asp1064Asn)

Gene: FLNB (filamin B; plus strand). Cytogenetic location: 3p14.3.
Variant type: single nucleotide variant.
Coding change: c.3190G>A on transcript NM_001457.4 (MANE Select); coding-DNA position 3190, G replaced by A.
Protein change: p.Asp1064Asn; replaces aspartic acid 1064 with asparagine.
Molecular consequence: missense variant.
Genome position (GRCh38, 1-based): chr3:58,123,156, G>A. VCF-style: chr3-58123156-G-A. GRCh37 (hg19) VCF-style: chr3-58108883-G-A.
Other names: c.3190G>A (NM_001457.3); c.3190G>A, p.Asp1064Asn (NM_001164317.2, NM_001164318.2, NM_001164319.2); short protein forms D1064N.
Identifiers: ClinVar variation 3718406 (VCV003718406.4).